The following is an entry in ClinVar:

NM_004204.5(PIGQ):c.1154T>C (p.Leu385Pro)

Gene: PIGQ (phosphatidylinositol glycan anchor biosynthesis class Q; plus strand). Cytogenetic location: 16p13.3.
Variant type: single nucleotide variant.
Coding change: c.1154T>C on transcript NM_004204.5 (MANE Select); coding-DNA position 1154, T replaced by C.
Protein change: p.Leu385Pro; replaces leucine 385 with proline.
Molecular consequence: missense variant.
Genome position (GRCh38, 1-based): chr16:578,869, T>C. VCF-style: chr16-578869-T-C. GRCh37 (hg19) VCF-style: chr16-628869-T-C.
Other names: c.1154T>C, p.Leu385Pro (NM_148920.4); short protein forms L385P.
Identifiers: ClinVar variation 1363056 (VCV001363056.8), dbSNP rs2035764214, ClinGen allele CA394057053.

ClinVar aggregate classification (germline): Uncertain significance (1 of 4 stars; one submission).

Conditions:
Epilepsy. Also called: Seizure disorder. Identifiers: MedGen C0014544, MeSH D004827, MONDO:0005027.

Allele frequency attached by ClinVar (database versions not stated): TOPMed below 0.00001; gnomAD 0.00001; gnomAD exomes 0.00001.
gnomAD v4.1: 9 of 1,613,686 alleles (0.00056%); highest among the groups gnomAD compares: East Asian, 0.0089%; no homozygotes.

Submission:

Labcorp Genetics (formerly Invitae), Labcorp
Classification: Uncertain significance for Epilepsy. Last evaluated: 2026-02-02. Review status: criteria provided, single submitter. Criteria: Invitae Variant Classification Sherloc (09022015). Collection method: clinical testing. Allele origin: germline.
Comment: This sequence change replaces leucine, which is neutral and non-polar, with proline, which is neutral and non-polar, at codon 385 of the PIGQ protein (p.Leu385Pro). This variant is not present in population databases (gnomAD no frequency). This variant has not been reported in the literature in individuals affected with PIGQ-related conditions. ClinVar contains an entry for this variant (Variation ID: 1363056). An algorithm developed to predict the effect of missense changes on protein structure and function (PolyPhen-2) suggests that this variant is likely to be disruptive. In summary, the available evidence is currently insufficient to determine the role of this variant in disease. Therefore, it has been classified as a Variant of Uncertain Significance.